The following is an entry in ClinVar:

ClinVar aggregate classification (germline): Benign/Likely benign. Review status: criteria provided, multiple submitters, no conflicts (2 of 4 stars). 4 submissions from 4 submitters: Benign (2); Likely benign (2). Last evaluated 2026-09-01.

Allele frequency attached by ClinVar (database versions not stated): 1000 Genomes Project 0.00140; 1000 Genomes Project 30x 0.00141; ESP Exome Variant Server 0.00231; gnomAD exomes 0.00233 and 0.00253; ExAC 0.00242; gnomAD 0.00250 and 0.00256; TOPMed 0.00272.
gnomAD v4.1: 4,089 of 1,614,158 alleles (0.25%); highest among the groups gnomAD compares: Middle Eastern, 0.86%; 7 homozygotes.

Submissions (4):

CeGaT Center for Human Genetics Tuebingen
Classification: Likely benign. Last evaluated: 2026-09-01. Review status: criteria provided, single submitter. Criteria: CeGaT Center For Human Genetics Tuebingen Variant Classification Criteria Version 2. Collection method: clinical testing. Allele origin: germline. Affected: yes. Observed: 21 variant alleles.
Comment: VAC14: BP4, BP7

Labcorp Genetics (formerly Invitae), Labcorp
Classification: Benign. Last evaluated: 2026-02-01. Review status: criteria provided, single submitter. Criteria: Invitae Variant Classification Sherloc (09022015). Collection method: clinical testing. Allele origin: germline.

Blueprint Genetics
Classification: Likely benign. Last evaluated: 2024-11-26. Review status: criteria provided, single submitter. Criteria: ACMG Guidelines, 2015. Collection method: clinical testing. Allele origin: germline.

Breakthrough Genomics
Classification: Benign. Review status: criteria provided, single submitter. Criteria: ACMG Guidelines, 2015. Collection method: not provided. Allele origin: germline. Inheritance: Autosomal recessive inheritance. Affected: yes.

NM_018052.5(VAC14):c.880C>T (p.Leu294=)

Gene: VAC14 (VAC14 component of PIKFYVE complex; minus strand). Cytogenetic location: 16q22.1.
Variant type: single nucleotide variant.
Coding change: c.880C>T on transcript NM_018052.5 (MANE Select); coding-DNA position 880, C replaced by T.
Protein change: p.Leu294=; no amino-acid change (leucine 294 retained).
Molecular consequence: synonymous variant.
Genome position (GRCh38, 1-based): chr16:70,781,935, G>A on the plus strand (C>T on the coding strand, the complement: VAC14 is on the minus strand). VCF-style: chr16-70781935-G-A. GRCh37 (hg19) VCF-style: chr16-70815838-G-A.
Other names: c.178C>T, p.Leu60= (NM_001351157.2).
Identifiers: ClinVar variation 717100 (VCV000717100.41), dbSNP rs146617185, ClinGen allele CA8147913.
Genomic context (GRCh38, chr16:70,781,935, plus strand): 5'-TGCGGTCATCGTAGGCCAAGCAGGGCAAGACAGCAGTCAGGATCCCGGAGGAGTAAGGCA[G>A]CATGACGCGGCCCGCCAGCTGGATGAACTCCCGCATCCAGCACATGGCTGTCAGCTGGAT-3'
Protein context (NP_060522.3, residues 284-304): EFIQLAGRVM[Leu294=]PYSSGILTAV